The following is an entry in ClinVar:

ClinVar aggregate classification (germline): Uncertain significance (1 of 4 stars; one submission).

Conditions:
RASopathy. Also called: rasopathies; Noonan spectrum disorder. Identifiers: Orphanet 536391, MedGen C5555857, MONDO:0021060.

Submission:

Labcorp Genetics (formerly Invitae), Labcorp
Classification: Uncertain significance for RASopathy. Last evaluated: 2023-06-16. Review status: criteria provided, single submitter. Criteria: Invitae Variant Classification Sherloc (09022015). Collection method: clinical testing. Allele origin: germline.
Comment: This sequence change creates a premature translational stop signal (p.Leu132Serfs*20) in the CBL gene. It is expected to result in an absent or disrupted protein product. However, the current clinical and genetic evidence is not sufficient to establish whether loss-of-function variants in CBL cause disease. In summary, the available evidence is currently insufficient to determine the role of this variant in disease. Therefore, it has been classified as a Variant of Uncertain Significance. This variant has not been reported in the literature in individuals affected with CBL-related conditions. This variant is not present in population databases (gnomAD no frequency).

NM_005188.4(CBL):c.394del (p.Leu132fs)

Gene: CBL (Cbl proto-oncogene; plus strand). Cytogenetic location: 11q23.3.
Variant type: Deletion.
Coding change: c.394del on transcript NM_005188.4 (MANE Select); coding-DNA position 394, one base deleted (C; older notation c.394delC).
Protein change: p.Leu132fs; shifts the reading frame from leucine 132.
Molecular consequence: frameshift variant.
Genome position (GRCh38, 1-based): chr11:119,232,646, C deleted; the last of 2 consecutive C bases (chr11:119,232,645-119,232,646); deleting either gives the same sequence. VCF-style (leftmost placement, unchanged base first): chr11-119232644-GC-G. GRCh37 (hg19) VCF-style: chr11-119103354-GC-G.
Other names: short protein forms L132fs.
Identifiers: ClinVar variation 2717975 (VCV002717975.3), dbSNP rs2496866209, ClinGen allele CA2697558995.